The following is an entry in ClinVar:

ClinVar aggregate classification (germline): Pathogenic/Likely pathogenic. Review status: criteria provided, multiple submitters, no conflicts (2 of 4 stars). 2 submissions from 2 submitters: Pathogenic (1); Likely pathogenic (1). Last evaluated 2025-09-19.

Conditions:
Hereditary cancer-predisposing syndrome. Also called: Tumor predisposition; Neoplastic Syndromes, Hereditary; Hereditary Cancer Syndrome; Hereditary neoplastic syndrome. Identifiers: Orphanet 140162, MedGen C0027672, MeSH D009386, MONDO:0015356.
Multiple endocrine neoplasia type 4. Also called: MULTIPLE ENDOCRINE NEOPLASIA, TYPE IV. Identifiers: Orphanet 276152, MedGen C1970712, MONDO:0012552, OMIM 610755.

Submissions (2):

Labcorp Genetics (formerly Invitae), Labcorp
Classification: Pathogenic for Multiple endocrine neoplasia type 4. Last evaluated: 2025-09-19. Review status: criteria provided, single submitter. Criteria: Invitae Variant Classification Sherloc (09022015). Collection method: clinical testing. Allele origin: germline.
Comment: This sequence change creates a premature translational stop signal (p.Phe33Leufs*9) in the CDKN1B gene. It is expected to result in an absent or disrupted protein product. Loss-of-function variants in CDKN1B are known to be pathogenic (PMID: 17030811, 24819502). This variant is not present in population databases (gnomAD no frequency). This variant has not been reported in the literature in individuals affected with CDKN1B-related conditions. ClinVar contains an entry for this variant (Variation ID: 3999746). For these reasons, this variant has been classified as Pathogenic.

Ambry Genetics
Classification: Likely pathogenic for Hereditary cancer-predisposing syndrome. Last evaluated: 2025-05-07. Review status: criteria provided, single submitter. Criteria: Ambry Variant Classification Scheme 2023. Collection method: clinical testing. Allele origin: germline.
Comment: The c.99delC pathogenic mutation, located in coding exon 1 of the CDKN1B gene, results from a deletion of one nucleotide at nucleotide position 99, causing a translational frameshift with a predicted alternate stop codon (p.F33Lfs*9). The predicted stop codon occurs in the 5&rsquo; end of theCDKN1B gene. Premature termination codons in the 5&rsquo; end of a gene have been reported to escape nonsense-mediated mRNAdecay and/or lead to re-initiation (Rivas et al. Science. 2015 May 8;348(6235):666-9; Lindeboom et al. Nat Genet. 2016 Oct;48(10):1112-8; Rhee et al. Sci Rep. 2017 May 10;7(1):1653). Direct evidence for this alteration is unavailable, however, premature termination codons are typically deleterious in nature. This variant is considered to be rare based on population cohorts in the Genome Aggregation Database (gnomAD). Based on the majority of available evidence to date, this variant is likely to be pathogenic.

Literature cited by the submitters: PubMed 17030811 (cited by Labcorp Genetics (formerly Invitae), Labcorp); PubMed 24819502 (cited by Labcorp Genetics (formerly Invitae), Labcorp).

NM_004064.5(CDKN1B):c.99del (p.Phe33fs)

Gene: CDKN1B (cyclin dependent kinase inhibitor 1B; plus strand). Cytogenetic location: 12p13.1.
Variant type: Deletion.
Coding change: c.99del on transcript NM_004064.5 (MANE Select); coding-DNA position 99, one base deleted (C; older notation c.99delC).
Protein change: p.Phe33fs; shifts the reading frame from phenylalanine 33.
Molecular consequence: frameshift variant.
Genome position (GRCh38, 1-based): chr12:12,717,938, C deleted. VCF-style (leftmost placement, unchanged base first): chr12-12717937-TC-T. GRCh37 (hg19) VCF-style: chr12-12870871-TC-T.
Other names: short protein forms F33fs.
Identifiers: ClinVar variation 3999746 (VCV003999746.2).